The following is an entry in ClinVar:

ClinVar aggregate classification (germline): Uncertain significance (1 of 4 stars; one submission).

Submission:

Labcorp Genetics (formerly Invitae), Labcorp
Classification: Uncertain significance. Last evaluated: 2024-02-26. Review status: criteria provided, single submitter. Criteria: Invitae Variant Classification Sherloc (09022015). Collection method: clinical testing. Allele origin: germline.
Comment: This sequence change falls in intron 39 of the MYO5B gene. It does not directly change the encoded amino acid sequence of the MYO5B protein. It affects a nucleotide within the consensus splice site. This variant is not present in population databases (gnomAD no frequency). This variant has not been reported in the literature in individuals affected with MYO5B-related conditions. ClinVar contains an entry for this variant (Variation ID: 2017639). Variants that disrupt the consensus splice site are a relatively common cause of aberrant splicing (PMID: 17576681, 9536098). In summary, the available evidence is currently insufficient to determine the role of this variant in disease. Therefore, it has been classified as a Variant of Uncertain Significance.

Literature cited by the submitters: PubMed 17576681; PubMed 9536098.

NM_001080467.3(MYO5B):c.5394+3_5394+17del

Genes: MYO5B (myosin VB; minus strand), SNHG22 (small nucleolar RNA host gene 22; plus strand). Cytogenetic location: 18q21.1.
Variant type: Deletion.
Coding change: c.5394+3_5394+17del on transcript NM_001080467.3 (MANE Select); bases 3 to 17 of the intron after coding-DNA position 5394, 15 bases deleted (GAGTTTTAAGATAGT).
Molecular consequence: splice donor variant.
Genome position (GRCh38, 1-based): chr18:49,835,327-49,835,341, ACTATCTTAAAACTC deleted on the plus strand (GAGTTTTAAGATAGT on the coding strand, the reverse complement: MYO5B is on the minus strand); deleting any 15 consecutive bases within chr18:49,835,327-49,835,343 gives the same sequence; the c. name uses the placement nearest the transcript's 3' end. VCF-style (leftmost placement, unchanged base first): chr18-49835326-TACTATCTTAAAACTC-T. GRCh37 (hg19) VCF-style: chr18-47361696-TACTATCTTAAAACTC-T.
Identifiers: ClinVar variation 2017639 (VCV002017639.4), dbSNP rs2511232589, ClinGen allele CA2580095787.